The following is an entry in ClinVar:

ClinVar aggregate classification (germline): Uncertain significance (1 of 4 stars; one submission).

Conditions:
Tatton-Brown-Rahman overgrowth syndrome. Also called: Tatton-Brown-Rahman syndrome; Tall stature-intellectual disability-facial dysmorphism syndrome. Identifiers: Orphanet 404443, MedGen C4014545, MONDO:0014382, OMIM 615879.

Submission:

Labcorp Genetics (formerly Invitae), Labcorp
Classification: Uncertain significance for Tatton-Brown-Rahman overgrowth syndrome. Last evaluated: 2024-12-29. Review status: criteria provided, single submitter. Criteria: Invitae Variant Classification Sherloc (09022015). Collection method: clinical testing. Allele origin: germline.
Comment: This sequence change replaces alanine, which is neutral and non-polar, with threonine, which is neutral and polar, at codon 122 of the DNMT3A protein (p.Ala122Thr). This variant is not present in population databases (gnomAD no frequency). This variant has not been reported in the literature in individuals affected with DNMT3A-related conditions. ClinVar contains an entry for this variant (Variation ID: 2719312). Invitae Evidence Modeling of protein sequence and biophysical properties (such as structural, functional, and spatial information, amino acid conservation, physicochemical variation, residue mobility, and thermodynamic stability) indicates that this missense variant is not expected to disrupt DNMT3A protein function with a negative predictive value of 95%. In summary, the available evidence is currently insufficient to determine the role of this variant in disease. Therefore, it has been classified as a Variant of Uncertain Significance.

NM_022552.5(DNMT3A):c.364G>A (p.Ala122Thr)

Gene: DNMT3A (DNA methyltransferase 3 alpha; minus strand). Cytogenetic location: 2p23.3.
Variant type: single nucleotide variant.
Coding change: c.364G>A on transcript NM_022552.5 (MANE Select); coding-DNA position 364, G replaced by A.
Protein change: p.Ala122Thr; replaces alanine 122 with threonine.
Molecular consequence: missense variant. On other transcripts: non-coding transcript variant (1).
Genome position (GRCh38, 1-based): chr2:25,282,525, C>T on the plus strand (G>A on the coding strand, the complement: DNMT3A is on the minus strand). VCF-style: chr2-25282525-C-T. GRCh37 (hg19) VCF-style: chr2-25505394-C-T.
Other names: c.364G>A, p.Ala122Thr (NM_001320892.2, NM_175629.2, NM_175630.1); short protein forms A122T.
Identifiers: ClinVar variation 2719312 (VCV002719312.3), dbSNP rs2149378900, ClinGen allele CA346083813.